The following is an entry in ClinVar:

ClinVar aggregate classification (germline): Likely benign (1 of 4 stars; one submission).

Conditions:
Ehlers-Danlos syndrome, type 4 (EDSVASC). Also called: Ehlers-Danlos Syndrome Type IV; Ehlers-Danlos syndrome vascular type; Ehlers Danlos syndrome, ecchymotic type; Ehlers Danlos syndrome, arterial type; Ehlers Danlos syndrome, Sack-Barabas type. Identifiers: Orphanet 286, MedGen C0268338, MONDO:0017314, OMIM 130050.

Submission:

All of Us Research Program, National Institutes of Health
Classification: Likely benign for Ehlers-Danlos syndrome, type 4. Last evaluated: 2023-04-03. Review status: criteria provided, single submitter. Criteria: ACMG Guidelines, 2015. Collection method: clinical testing. Allele origin: germline. Inheritance: Autosomal dominant inheritance. Observed: 1 variant allele, 1 heterozygote.
Comment: This study involves interpretation of variants in research participants for the purpose of population health screening. Participant phenotype was not available at the time of variant classification. Additional details can be found in publication PMID: 35346344, PMCID: PMC8962531

NM_000090.4(COL3A1):c.1416A>G (p.Glu472=)

Gene: COL3A1 (collagen type III alpha 1 chain; plus strand). Cytogenetic location: 2q32.2.
Variant type: single nucleotide variant.
Coding change: c.1416A>G on transcript NM_000090.4 (MANE Select); coding-DNA position 1416, A replaced by G.
Protein change: p.Glu472=; no amino-acid change (glutamic acid 472 retained).
Molecular consequence: synonymous variant.
Genome position (GRCh38, 1-based): chr2:188,994,792, A>G. VCF-style: chr2-188994792-A-G. GRCh37 (hg19) VCF-style: chr2-189859518-A-G.
Identifiers: ClinVar variation 3070205 (VCV003070205.1), dbSNP rs2469130270, ClinGen allele CA430309606.
Genomic context (GRCh38, chr2:188,994,792, plus strand): 5'-TGGTATTCCAGGTGTTCCAGGAGCTAAAGGCGAAGATGGCAAGGATGGATCACCTGGAGA[A>G]CCTGGTGCAAATGGGCTTCCAGGAGCTGCAGGAGAAAGGGTACGTTTTCCATGGGGCATC-3'
Protein context (NP_000081.2, residues 462-482): GEDGKDGSPG[Glu472=]PGANGLPGAA